The following is an entry in ClinVar:

NM_015915.5(ATL1):c.90A>G (p.Lys30=)

Gene: ATL1 (atlastin GTPase 1; plus strand). Cytogenetic location: 14q22.1.
Variant type: single nucleotide variant.
Coding change: c.90A>G on transcript NM_015915.5 (MANE Select); coding-DNA position 90, A replaced by G.
Protein change: p.Lys30=; no amino-acid change (lysine 30 retained).
Molecular consequence: synonymous variant.
Genome position (GRCh38, 1-based): chr14:50,587,886, A>G. VCF-style: chr14-50587886-A-G. GRCh37 (hg19) VCF-style: chr14-51054604-A-G.
Other names: c.90A>G, p.Lys30= (NM_001127713.1, NM_181598.4).
Identifiers: ClinVar variation 700720 (VCV000700720.13), dbSNP rs200452381, ClinGen allele CA7180171.

ClinVar aggregate classification (germline): Benign/Likely benign. Review status: criteria provided, multiple submitters, no conflicts (2 of 4 stars). 2 submissions from 2 submitters: Benign (1); Likely benign (1). Last evaluated 2026-04-01.

Conditions:
Hereditary spastic paraplegia 3A (SPG3A). Also called: Spastic paraplegia 3A, autosomal dominant; SPASTIC PARAPLEGIA 3, AUTOSOMAL DOMINANT; FAMILIAL SPASTIC PARAPLEGIA, AUTOSOMAL DOMINANT, 1; SPG3; STRUMPELL DISEASE; Spastic Paraplegia 3A. Identifiers: Orphanet 100984, MedGen C2931355, MONDO:0008437, OMIM 182600.

Allele frequency attached by ClinVar (database versions not stated): gnomAD exomes 0.00002 and 0.00014; TOPMed 0.00011; ExAC 0.00012; gnomAD 0.00012; 1000 Genomes Project 30x 0.00016; 1000 Genomes Project 0.00020.
gnomAD v4.1: 44 of 1,614,200 alleles (0.0027%); highest among the groups gnomAD compares: East Asian, 0.089%; no homozygotes.

Submissions (2):

CeGaT Center for Human Genetics Tuebingen
Classification: Likely benign. Last evaluated: 2026-04-01. Review status: criteria provided, single submitter. Criteria: CeGaT Center For Human Genetics Tuebingen Variant Classification Criteria Version 2. Collection method: clinical testing. Allele origin: germline. Affected: yes. Observed: 1 variant allele.
Comment: ATL1: BP4, BP7

Labcorp Genetics (formerly Invitae), Labcorp
Classification: Benign for Hereditary spastic paraplegia 3A. Last evaluated: 2025-06-23. Review status: criteria provided, single submitter. Criteria: Invitae Variant Classification Sherloc (09022015). Collection method: clinical testing. Allele origin: germline.